The following is an entry in ClinVar:

ClinVar aggregate classification (germline): Likely benign (1 of 4 stars; one submission).

Allele frequency attached by ClinVar (database versions not stated): gnomAD 0.00006; TOPMed 0.00006; gnomAD exomes 0.00018.
gnomAD v4.1: 201 of 1,230,280 alleles (0.016%); highest among the groups gnomAD compares: Non-Finnish European, 0.02%; no homozygotes.

Submission:

CeGaT Center for Human Genetics Tuebingen
Classification: Likely benign. Last evaluated: 2025-08-01. Review status: criteria provided, single submitter. Criteria: CeGaT Center For Human Genetics Tuebingen Variant Classification Criteria Version 2. Collection method: clinical testing. Allele origin: germline. Affected: yes. Observed: 4 variant alleles.
Comment: TMEM80: BP4, BP7

NM_001042463.3(TMEM80):c.9C>T (p.Ala3=)

Genes: DEAF1 (DEAF1 transcription factor; minus strand), TMEM80 (transmembrane protein 80; plus strand). Cytogenetic location: 11p15.5.
Variant type: single nucleotide variant.
Coding change: c.9C>T on transcript NM_001042463.3 (MANE Select); coding-DNA position 9, C replaced by T.
Protein change: p.Ala3=; no amino-acid change (alanine 3 retained).
Molecular consequence: synonymous variant. On other transcripts: intron variant (3).
Genome position (GRCh38, 1-based): chr11:695,836, C>T. VCF-style: chr11-695836-C-T. GRCh37 (hg19) VCF-style: chr11-695836-C-T.
Other names: c.9C>T, p.Ala3= (NM_001276253.2, NM_001276274.2); c.-437-4238G>A (NM_001367390.1); c.-42+14C>T (NM_174940.4); c.70+14C>T (NM_001384408.1).
Identifiers: ClinVar variation 2641087 (VCV002641087.22), dbSNP rs1170874631, ClinGen allele CA472335330.